The following is an entry in ClinVar:

NM_007294.4(BRCA1):c.4117_4118insTT (p.Glu1373fs)

Gene: BRCA1 (BRCA1 DNA repair associated; minus strand). Cytogenetic location: 17q21.31.
Variant type: Insertion.
Coding change: c.4117_4118insTT on transcript NM_007294.4 (MANE Select); coding-DNA positions 4117 to 4118, TT inserted.
Protein change: p.Glu1373fs; shifts the reading frame from glutamic acid 1373.
Molecular consequence: frameshift variant. On other transcripts: non-coding transcript variant (1).
Genome position: GRCh38 VCF-style: chr17-43091011-T-TAA. GRCh37 (hg19) VCF-style: chr17-41243028-T-TAA.
Other names: c.3973_3974insTT, p.Glu1325Valfs (NM_001407841.1, NM_001407842.1, NM_001407843.1 and 20 more transcripts); c.3976_3977insTT, p.Glu1326Valfs (NM_001407850.1, NM_001407851.1, NM_001407852.1 and 28 more transcripts); c.3904_3905insTT, p.Glu1302Valfs (NM_001407853.1, NM_001407894.1, NM_001407895.1 and 9 more transcripts); c.4117_4118insTT, p.Glu1373Valfs (NM_001407854.1, NM_001407858.1, NM_001407859.1 and 29 more transcripts); c.4114_4115insTT, p.Glu1372Valfs (NM_001407860.1, NM_001407861.1, NM_001407587.1 and 22 more transcripts); c.3916_3917insTT, p.Glu1306Valfs (NM_001407862.1); c.3994_3995insTT, p.Glu1332Valfs (NM_001407863.1, NM_001407919.1, NM_001407937.1 and 19 more transcripts); c.3913_3914insTT, p.Glu1305Valfs (NM_001407874.1, NM_001407875.1); and 44 more; short protein forms E1326fs, E1373fs, E270fs.
Identifiers: ClinVar variation 548190 (VCV000548190.2), dbSNP rs1555586212, ClinGen allele CA658825027.

ClinVar aggregate classification (germline): Pathogenic (3 of 4 stars; one submission).

Conditions:
Breast-ovarian cancer, familial, susceptibility to, 1 (BROVCA1). Also called: BRCA1 Hereditary Breast and Ovarian Cancer; OVARIAN CANCER, SUSCEPTIBILITY TO. Identifiers: Orphanet 145, MedGen C2676676, MONDO:0011450, OMIM 604370. Disease mechanism: loss of function.

Submission:

Evidence-based Network for the Interpretation of Germline Mutant Alleles (ENIGMA)
Classification: Pathogenic for Breast-ovarian cancer, familial, susceptibility to, 1. Last evaluated: 2017-12-15. Review status: reviewed by expert panel. Criteria: ENIGMA BRCA1/2 Classification Criteria (2017-06-29). Collection method: curation. Allele origin: germline. Study: ENIGMA.
Comment: Variant allele predicted to encode a truncated non-functional protein.